The following is an entry in ClinVar:

ClinVar aggregate classification (germline): Uncertain significance (1 of 4 stars; one submission).

Allele frequency attached by ClinVar (database versions not stated): gnomAD exomes below 0.00001.
gnomAD v4.1: 4 of 1,613,324 alleles (0.00025%); highest among the groups gnomAD compares: Non-Finnish European, 0.00034%; no homozygotes.

Submission:

Labcorp Genetics (formerly Invitae), Labcorp
Classification: Uncertain significance. Last evaluated: 2022-04-28. Review status: criteria provided, single submitter. Criteria: Invitae Variant Classification Sherloc (09022015). Collection method: clinical testing. Allele origin: germline.
Comment: In summary, the available evidence is currently insufficient to determine the role of this variant in disease. Therefore, it has been classified as a Variant of Uncertain Significance. This variant has not been reported in the literature in individuals affected with COL18A1-related conditions. Experimental studies and prediction algorithms are not available or were not evaluated, and the functional significance of this variant is currently unknown. This sequence change replaces glycine, which is neutral and non-polar, with serine, which is neutral and polar, at codon 788 of the COL18A1 protein (p.Gly788Ser). This variant is present in population databases (no rsID available, gnomAD 0.0009%).

NM_001379500.1(COL18A1):c.2362G>A (p.Gly788Ser)

Gene: COL18A1 (collagen type XVIII alpha 1 chain; plus strand). Cytogenetic location: 21q22.3.
Variant type: single nucleotide variant.
Coding change: c.2362G>A on transcript NM_001379500.1 (MANE Select); coding-DNA position 2362, G replaced by A.
Protein change: p.Gly788Ser; replaces glycine 788 with serine.
Molecular consequence: missense variant.
Genome position (GRCh38, 1-based): chr21:45,494,554, G>A. VCF-style: chr21-45494554-G-A. GRCh37 (hg19) VCF-style: chr21-46914468-G-A.
Other names: c.2902G>A, p.Gly968Ser (NM_030582.4); c.3607G>A, p.Gly1203Ser (NM_130444.3); short protein forms G788S, G968S, G1203S.
Identifiers: ClinVar variation 2131132 (VCV002131132.4), dbSNP rs1375043700, ClinGen allele CA410497565.